The following is an entry in ClinVar:

NM_000733.4(CD3E):c.499G>A (p.Gly167Ser)

Gene: CD3E (CD3 epsilon subunit of T-cell receptor complex; plus strand). Cytogenetic location: 11q23.3.
Variant type: single nucleotide variant.
Coding change: c.499G>A on transcript NM_000733.4 (MANE Select); coding-DNA position 499, G replaced by A.
Protein change: p.Gly167Ser; replaces glycine 167 with serine.
Molecular consequence: missense variant.
Genome position (GRCh38, 1-based): chr11:118,313,853, G>A. VCF-style: chr11-118313853-G-A. GRCh37 (hg19) VCF-style: chr11-118184568-G-A.
Other names: short protein forms G167S.
Identifiers: ClinVar variation 645439 (VCV000645439.7), dbSNP rs368489854, ClinGen allele CA6301734.

ClinVar aggregate classification (germline): Uncertain significance. Review status: criteria provided, multiple submitters, no conflicts (2 of 4 stars). 2 submissions from 2 submitters: Uncertain significance (2). Last evaluated 2025-01-14.

Conditions:
Immunodeficiency 18 (IMD18). Also called: CD3-EPSILON DEFICIENCY; CD3epsilon deficiency. Identifiers: MedGen C3810127, MONDO:0014278, OMIM 615615.
Inborn genetic diseases. Identifiers: MedGen C0950123, MeSH D030342.

Allele frequency attached by ClinVar (database versions not stated): gnomAD exomes below 0.00001 and 0.00001; ExAC 0.00002; TOPMed 0.00002; gnomAD 0.00003; ESP Exome Variant Server 0.00015.
gnomAD v4.1: 5 of 1,613,444 alleles (0.00031%); highest among the groups gnomAD compares: African/African-American, 0.0067%; no homozygotes.

Submissions (2):

Ambry Genetics
Classification: Uncertain significance for Inborn genetic diseases. Last evaluated: 2025-01-14. Review status: criteria provided, single submitter. Criteria: Ambry Variant Classification Scheme 2023. Collection method: clinical testing. Allele origin: germline.

Labcorp Genetics (formerly Invitae), Labcorp
Classification: Uncertain significance for Immunodeficiency 18. Last evaluated: 2021-08-26. Review status: criteria provided, single submitter. Criteria: Invitae Variant Classification Sherloc (09022015). Collection method: clinical testing. Allele origin: germline.
Comment: This sequence change replaces glycine with serine at codon 167 of the CD3E protein (p.Gly167Ser). The glycine residue is moderately conserved and there is a small physicochemical difference between glycine and serine. This variant is present in population databases (rs368489854, ExAC 0.02%). This variant has not been reported in the literature in individuals affected with CD3E-related conditions. Algorithms developed to predict the effect of missense changes on protein structure and function are either unavailable or do not agree on the potential impact of this missense change (SIFT: "Tolerated"; PolyPhen-2: "Possibly Damaging"; Align-GVGD: "Class C0"). In summary, the available evidence is currently insufficient to determine the role of this variant in disease. Therefore, it has been classified as a Variant of Uncertain Significance.